The following is an entry in ClinVar:

NM_000051.4(ATM):c.7255A>G (p.Arg2419Gly)

Genes: ATM (ATM serine/threonine kinase; plus strand), C11orf65 (chromosome 11 open reading frame 65; minus strand). Cytogenetic location: 11q22.3.
Variant type: single nucleotide variant.
Coding change: c.7255A>G on transcript NM_000051.4 (MANE Select); coding-DNA position 7255, A replaced by G.
Protein change: p.Arg2419Gly; replaces arginine 2419 with glycine.
Molecular consequence: missense variant. On other transcripts: intron variant (2).
Genome position (GRCh38, 1-based): chr11:108,329,186, A>G. VCF-style: chr11-108329186-A-G. GRCh37 (hg19) VCF-style: chr11-108199913-A-G.
Other names: c.7255A>G, p.Arg2419Gly (NM_001351834.2); c.641-20115T>C (NM_001330368.2); c.*38+6034T>C (NM_001351110.2); short protein forms R2419G.
Identifiers: ClinVar variation 4747257 (VCV004747257.1).
Genomic context (GRCh38, chr11:108,329,186, plus strand): 5'-CAAAGAATTGAAAACTACATGAAATCATCGGAATTTGAAAACAAGCAAGCTCTCCTGAAA[A>G]GAGCCAAAGAGGAAGTAGGTCTCCTTAGGGAACATAAAATTCAGACAAACAGGTAACTAG-3'
Protein context (NP_000042.3, residues 2409-2429): EFENKQALLK[Arg2419Gly]AKEEVGLLRE

ClinVar aggregate classification (germline): Uncertain significance (1 of 4 stars; one submission).

Conditions:
Ataxia-telangiectasia syndrome (AT). Also called: LOUIS-BAR SYNDROME; Cerebello-oculocutaneous telangiectasia; Immunodeficiency with ataxia telangiectasia; Ataxia-telangiectasia, complementation group D; AT, COMPLEMENTATION GROUP C; ATAXIA-TELANGIECTASIA, COMPLEMENTATION GROUP A. Identifiers: Orphanet 100, MedGen C0004135, MONDO:0008840, OMIM 208900.

Submission:

Labcorp Genetics (formerly Invitae), Labcorp
Classification: Uncertain significance for Ataxia-telangiectasia syndrome. Last evaluated: 2025-07-16. Review status: criteria provided, single submitter. Criteria: Invitae Variant Classification Sherloc (09022015). Collection method: clinical testing. Allele origin: germline.
Comment: This sequence change replaces arginine, which is basic and polar, with glycine, which is neutral and non-polar, at codon 2419 of the ATM protein (p.Arg2419Gly). This variant is not present in population databases (gnomAD no frequency). This variant has not been reported in the literature in individuals affected with ATM-related conditions. Invitae Evidence Modeling of protein sequence and biophysical properties (such as structural, functional, and spatial information, amino acid conservation, physicochemical variation, residue mobility, and thermodynamic stability) indicates that this missense variant is not expected to disrupt ATM protein function with a negative predictive value of 95%. In summary, the available evidence is currently insufficient to determine the role of this variant in disease. Therefore, it has been classified as a Variant of Uncertain Significance.